The following is an entry in ClinVar:

NM_001211.6(BUB1B):c.2957+5G>A

Genes: BUB1B (BUB1 mitotic checkpoint serine/threonine kinase B; plus strand), BUB1B-PAK6 (BUB1B-PAK6 readthrough; plus strand). Cytogenetic location: 15q15.1.
Variant type: single nucleotide variant.
Coding change: c.2957+5G>A on transcript NM_001211.6 (MANE Select); 5 bases into the intron after coding-DNA position 2957, G replaced by A.
Molecular consequence: intron variant.
Genome position (GRCh38, 1-based): chr15:40,218,567, G>A. VCF-style: chr15-40218567-G-A. GRCh37 (hg19) VCF-style: chr15-40510768-G-A.
Other names: c.-201+900G>A (NM_001128628.3); c.-118+900G>A (NM_001128629.3).
Identifiers: ClinVar variation 2886941 (VCV002886941.3), dbSNP rs759059022, ClinGen allele CA7476160.

ClinVar aggregate classification (germline): Uncertain significance (1 of 4 stars; one submission).

Conditions:
Mosaic variegated aneuploidy syndrome 1 (MVA1). Also called: Warburton-Anyane-Yeboa syndrome. Identifiers: Orphanet 1052, MedGen C1850343, MONDO:0009759, OMIM 257300.

Allele frequency attached by ClinVar (database versions not stated): TOPMed below 0.00001; gnomAD 0.00001; ExAC 0.00006.
gnomAD v4.1: 16 of 1,588,754 alleles (0.001%); highest among the groups gnomAD compares: Non-Finnish European, 0.0012%; no homozygotes.

Submission:

Labcorp Genetics (formerly Invitae), Labcorp
Classification: Uncertain significance for Mosaic variegated aneuploidy syndrome 1. Last evaluated: 2024-10-21. Review status: criteria provided, single submitter. Criteria: Invitae Variant Classification Sherloc (09022015). Collection method: clinical testing. Allele origin: germline.
Comment: This sequence change falls in intron 22 of the BUB1B gene. It does not directly change the encoded amino acid sequence of the BUB1B protein. It affects a nucleotide within the consensus splice site. This variant is present in population databases (rs759059022, gnomAD 0.007%). This variant has not been reported in the literature in individuals affected with BUB1B-related conditions. Variants that disrupt the consensus splice site are a relatively common cause of aberrant splicing (PMID: 17576681, 9536098). Algorithms developed to predict the effect of sequence changes on RNA splicing suggest that this variant may disrupt the consensus splice site. In summary, the available evidence is currently insufficient to determine the role of this variant in disease. Therefore, it has been classified as a Variant of Uncertain Significance.

Literature cited by the submitters: PubMed 17576681; PubMed 9536098.